The following is an entry in ClinVar:

ClinVar aggregate classification (germline): Uncertain significance (1 of 4 stars; one submission).

Conditions:
Candidiasis, familial, 9 (CANDF9). Identifiers: Orphanet 1334, MedGen C4225324, MONDO:0014642, OMIM 616445.

Allele frequency attached by ClinVar (database versions not stated): gnomAD 0.00001; TOPMed 0.00002; gnomAD exomes 0.00005 and 0.00012; ExAC 0.00010.
gnomAD v4.1: 32 of 1,614,012 alleles (0.002%); highest among the groups gnomAD compares: Admixed American, 0.053%; no homozygotes.

Submissions (2):

Labcorp Genetics (formerly Invitae), Labcorp
Classification: Uncertain significance for Candidiasis, familial, 9. Last evaluated: 2024-01-05. Review status: criteria provided, single submitter. Criteria: Invitae Variant Classification Sherloc (09022015). Collection method: clinical testing. Allele origin: germline.
Comment: This sequence change falls in intron 12 of the IL17RC gene. It does not directly change the encoded amino acid sequence of the IL17RC protein. It affects a nucleotide within the consensus splice site. This variant is present in population databases (rs769892513, gnomAD 0.09%), and has an allele count higher than expected for a pathogenic variant. This variant has not been reported in the literature in individuals affected with IL17RC-related conditions. ClinVar contains an entry for this variant (Variation ID: 1516089). Variants that disrupt the consensus splice site are a relatively common cause of aberrant splicing (PMID: 17576681, 9536098). Algorithms developed to predict the effect of sequence changes on RNA splicing suggest that this variant may disrupt the consensus splice site. In summary, the available evidence is currently insufficient to determine the role of this variant in disease. Therefore, it has been classified as a Variant of Uncertain Significance.

Dr. Peter K. Rogan Lab, Western University
No classification provided (evidence only). Condition: Ovarian serous cystadenocarcinoma. Review status: no classification provided. Collection method: in vitro. Allele origin: not applicable. Functional consequence: retained intron. Not counted in ClinVar's aggregate classification.

Literature cited by the submitters: PubMed 17576681 (cited by Labcorp Genetics (formerly Invitae), Labcorp); PubMed 9536098 (cited by Labcorp Genetics (formerly Invitae), Labcorp).

NM_153460.4(IL17RC):c.1111-3C>G

Gene: IL17RC (interleukin 17 receptor C; plus strand). Cytogenetic location: 3p25.3.
Variant type: single nucleotide variant.
Coding change: c.1111-3C>G on transcript NM_153460.4 (MANE Select); 3 bases into the intron before coding-DNA position 1111, C replaced by G.
Molecular consequence: intron variant.
Genome position (GRCh38, 1-based): chr3:9,929,849, C>G. VCF-style: chr3-9929849-C-G. GRCh37 (hg19) VCF-style: chr3-9971533-C-G.
Other names: c.1324-3C>G (NM_153461.4); c.1111-3C>G (NM_001203263.2); c.1060-3C>G (NM_001203264.2); c.1072-3C>G (NM_001367278.1); c.1066-3C>G (NM_032732.6, NM_001367280.1); c.1015-3C>G (NM_001203265.2); c.991-3C>G (NM_001367279.1).
Identifiers: ClinVar variation 1516089 (VCV001516089.6), dbSNP rs769892513, ClinGen allele CA2247164.
Genomic context (GRCh38, chr3:9,929,849, plus strand): 5'-TGGTCTTTCTGCCTTTGGCTTTTGCTTTTCTTAGTGGCCCTAACCATGGTCTCTTCCCAG[C>G]AGGTGAACAGCTCGGAGAAGCTGCAGCTGCAGGAGTGCTTGTGGGCTGGTGAGTTGGGCC-3'